The following is an entry in ClinVar:

NM_021076.4(NEFH):c.569G>C (p.Arg190Pro)

Gene: NEFH (neurofilament heavy chain; plus strand). Cytogenetic location: 22q12.2.
Variant type: single nucleotide variant.
Coding change: c.569G>C on transcript NM_021076.4 (MANE Select); coding-DNA position 569, G replaced by C.
Protein change: p.Arg190Pro; replaces arginine 190 with proline.
Molecular consequence: missense variant.
Genome position (GRCh38, 1-based): chr22:29,480,831, G>C. VCF-style: chr22-29480831-G-C. GRCh37 (hg19) VCF-style: chr22-29876820-G-C.
Other names: c.569G>C (NM_021076.3); short protein forms R190P.
Identifiers: ClinVar variation 2718671 (VCV002718671.4), dbSNP rs1000283807, ClinGen allele CA323083018.

ClinVar aggregate classification (germline): Uncertain significance. Review status: criteria provided, multiple submitters, no conflicts (2 of 4 stars). 2 submissions from 2 submitters: Uncertain significance (2). Last evaluated 2025-05-16.

Conditions:
Inborn genetic diseases. Identifiers: MedGen C0950123, MeSH D030342.

Allele frequency attached by ClinVar (database versions not stated): TOPMed 0.00004.
gnomAD v4.1: 2 of 1,392,844 alleles (0.00014%); highest among the groups gnomAD compares: Non-Finnish European, 0.000092%; no homozygotes.

Submissions (2):

Ambry Genetics
Classification: Uncertain significance for Inborn genetic diseases. Last evaluated: 2025-05-16. Review status: criteria provided, single submitter. Criteria: Ambry Variant Classification Scheme 2023. Collection method: clinical testing. Allele origin: germline.

Labcorp Genetics (formerly Invitae), Labcorp
Classification: Uncertain significance. Last evaluated: 2024-12-16. Review status: criteria provided, single submitter. Criteria: Invitae Variant Classification Sherloc (09022015). Collection method: clinical testing. Allele origin: germline.
Comment: This sequence change replaces arginine, which is basic and polar, with proline, which is neutral and non-polar, at codon 190 of the NEFH protein (p.Arg190Pro). This variant is not present in population databases (gnomAD no frequency). This variant has not been reported in the literature in individuals affected with NEFH-related conditions. ClinVar contains an entry for this variant (Variation ID: 2718671). Invitae Evidence Modeling of protein sequence and biophysical properties (such as structural, functional, and spatial information, amino acid conservation, physicochemical variation, residue mobility, and thermodynamic stability) indicates that this missense variant is not expected to disrupt NEFH protein function with a negative predictive value of 95%. In summary, the available evidence is currently insufficient to determine the role of this variant in disease. Therefore, it has been classified as a Variant of Uncertain Significance.